The following is an entry in ClinVar:

ClinVar aggregate classification (germline): Likely benign (1 of 4 stars; one submission).

Allele frequency attached by ClinVar (database versions not stated): 1000 Genomes Project 30x 0.00437; 1000 Genomes Project 0.00459; ESP Exome Variant Server 0.00654.
gnomAD v4.1: 12,691 of 1,606,942 alleles (0.79%); highest among the groups gnomAD compares: Middle Eastern, 1.3%; 68 homozygotes.

Submission:

CeGaT Center for Human Genetics Tuebingen
Classification: Likely benign. Last evaluated: 2022-10-01. Review status: criteria provided, single submitter. Criteria: CeGaT Center For Human Genetics Tuebingen Variant Classification Criteria Version 2. Collection method: clinical testing. Allele origin: germline. Affected: yes. Observed: 1 variant allele.
Comment: SAFB: BP4, BP7

NM_001201338.2(SAFB):c.2628C>T (p.Arg876=)

Gene: SAFB (scaffold attachment factor B; plus strand). Cytogenetic location: 19p13.3.
Variant type: single nucleotide variant.
Coding change: c.2628C>T on transcript NM_001201338.2 (MANE Select); coding-DNA position 2628, C replaced by T.
Protein change: p.Arg876=; no amino-acid change (arginine 876 retained).
Molecular consequence: synonymous variant.
Genome position (GRCh38, 1-based): chr19:5,668,165, C>T. VCF-style: chr19-5668165-C-T. GRCh37 (hg19) VCF-style: chr19-5668176-C-T.
Other names: c.2625C>T, p.Arg875= (NM_001201339.2); c.2421C>T, p.Arg807= (NM_001201340.2); c.2154C>T, p.Arg718= (NM_001320571.2); c.2619C>T, p.Arg873= (NM_001320572.2); c.2622C>T, p.Arg874= (NM_002967.4).
Identifiers: ClinVar variation 2649116 (VCV002649116.24), dbSNP rs76836312, ClinGen allele CA9113154.